The following is an entry in ClinVar:

ClinVar aggregate classification (germline): Pathogenic/Likely pathogenic. Review status: criteria provided, multiple submitters, no conflicts (2 of 4 stars). 3 submissions from 3 submitters: Pathogenic (1); Likely pathogenic (2). Last evaluated 2024-12-03.

Conditions:
Cystic fibrosis (CF). Also called: MUCOVISCIDOSIS. Identifiers: Orphanet 586, MedGen C0010674, MONDO:0009061, OMIM 219700. Disease mechanism: loss of function.
Bronchiectasis with or without elevated sweat chloride 1 (BESC1). Also called: Cystic Fibrosis-Like Syndrome. Identifiers: Orphanet 60033, MedGen C2749757, MONDO:0008887, OMIM 211400.

Submissions (3):

Women's Health and Genetics/Laboratory Corporation of America, LabCorp
Classification: Likely pathogenic for Cystic fibrosis. Last evaluated: 2024-12-03. Review status: criteria provided, single submitter. Criteria: LabCorp Variant Classification Summary - May 2015. Collection method: clinical testing. Allele origin: germline.
Comment: Variant summary: CFTR c.580-2A>C is located in a canonical splice-site and is predicted to affect mRNA splicing resulting in a significantly altered protein due to either exon skipping, shortening, or inclusion of intronic material. Variants that disrupt the consensus splice site are a relatively common cause of aberrant splicing and loss of CFTR function. Several computational tools predict a significant impact on normal splicing: Four predict the variant abolishes a 3' acceptor site. However, these predictions have yet to be confirmed by functional studies. The variant was absent in 251424 control chromosomes. c.580-2A>C has been reported in the literature in individuals affected with Cystic Fibrosis (e.g. Nunes_2017, Martinez-Hernandez_2024). These data indicate that the variant is likely associated with disease. To our knowledge, no experimental evidence demonstrating an impact on protein function has been reported. The following publications have been ascertained in the context of this evaluation (PMID: 38601560, 28771972). ClinVar contains an entry for this variant (Variation ID: 618913). Based on the evidence outlined above, the variant was classified as likely pathogenic.

Baylor Genetics
Classification: Likely pathogenic for Bronchiectasis with or without elevated sweat chloride 1. Last evaluated: 2022-09-14. Review status: criteria provided, single submitter. Criteria: ACMG Guidelines, 2015. Collection method: clinical testing. Allele origin: unknown.

Mendelics
Classification: Pathogenic for Cystic fibrosis. Last evaluated: 2018-11-05. Review status: criteria provided, single submitter. Criteria: Mendelics Assertion Criteria 2017. Collection method: clinical testing. Allele origin: unknown. Affected: yes.

Literature cited by the submitters: PubMed 28771972 (cited by Women's Health and Genetics/Laboratory Corporation of America, LabCorp); PubMed 38601560 (cited by Women's Health and Genetics/Laboratory Corporation of America, LabCorp).

NM_000492.4(CFTR):c.580-2A>C

Gene: CFTR (CF transmembrane conductance regulator; plus strand). Cytogenetic location: 7q31.2.
Variant type: single nucleotide variant.
Coding change: c.580-2A>C on transcript NM_000492.4 (MANE Select); the canonical splice acceptor site of the intron before coding-DNA position 580, A replaced by C.
Molecular consequence: splice acceptor variant.
Genome position (GRCh38, 1-based): chr7:117,535,246, A>C. VCF-style: chr7-117535246-A-C. GRCh37 (hg19) VCF-style: chr7-117175300-A-C.
Identifiers: ClinVar variation 618913 (VCV000618913.4), dbSNP rs193922730, ClinGen allele CA368976686.